The following is an entry in ClinVar:

ClinVar aggregate classification (germline): Uncertain significance. Review status: reviewed by expert panel (3 of 4 stars). 2 submissions from 2 submitters: Uncertain significance (1). 1 of the submissions does not count toward it. Last evaluated 2025-01-15.

Conditions:
Hereditary thrombocytopenia and hematological cancer predisposition syndrome associated with RUNX1. Also called: Familial Platelet Disorder with Propensity to Acute Myelogenous Leukemia; Familial thrombocytopenia with propensity to acute myelogenous leukemia; RUNX1 Familial Platelet Disorder with Associated Myeloid Malignancies; PLATELET DISORDER, ASPIRIN-LIKE. Identifiers: Orphanet 71290, MedGen C1832388, MeSH C563324, MONDO:0100083, OMIM 601399.
Hereditary thrombocytopenia and hematologic cancer predisposition syndrome. Identifiers: Orphanet 71290, MedGen CN281654, MONDO:0011071.

Submissions (2):

ClinGen Myeloid Malignancy Variant Curation Expert Panel
Classification: Uncertain significance for Hereditary thrombocytopenia and hematologic cancer predisposition syndrome. Last evaluated: 2025-01-15. Review status: reviewed by expert panel. Criteria: ClinGen MyeloMalig ACMG Specifications v2. Collection method: curation. Allele origin: germline. Inheritance: Autosomal dominant inheritance.
Comment: NM_001754.5(RUNX1):c.1382A>T (p.Asn461Ile) is a missense variant which is completely absent from all population databases with at least 20x coverage for RUNX1 (PM2_Supporting) - (gnomAD v2.1.1, v3, v4). This missense variant has a REVEL score < 0.50 (0.305) and a SpliceAI score ≤ 0.20 (Δ score 0.00) (BP4). In summary, the clinical significance of this variant is uncertain. ACMG/AMP criteria applied, as specified by the Myeloid Malignancy Variant Curation Expert Panel for RUNX1: BP4, PM2_supporting.

Labcorp Genetics (formerly Invitae), Labcorp
Classification: Uncertain significance for Hereditary thrombocytopenia and hematological cancer predisposition syndrome associated with RUNX1. Last evaluated: 2023-02-22. Review status: criteria provided, single submitter. Criteria: Invitae Variant Classification Sherloc (09022015). Collection method: clinical testing. Allele origin: germline. Not counted in ClinVar's aggregate classification.
Comment: Advanced modeling of protein sequence and biophysical properties (such as structural, functional, and spatial information, amino acid conservation, physicochemical variation, residue mobility, and thermodynamic stability) performed at Invitae indicates that this missense variant is not expected to disrupt RUNX1 protein function. ClinVar contains an entry for this variant (Variation ID: 961354). This variant has not been reported in the literature in individuals affected with RUNX1-related conditions. This variant is not present in population databases (gnomAD no frequency). This sequence change replaces asparagine, which is neutral and polar, with isoleucine, which is neutral and non-polar, at codon 461 of the RUNX1 protein (p.Asn461Ile). In summary, the available evidence is currently insufficient to determine the role of this variant in disease. Therefore, it has been classified as a Variant of Uncertain Significance.

NM_001754.5(RUNX1):c.1382A>T (p.Asn461Ile)

Gene: RUNX1 (RUNX family transcription factor 1; minus strand). Cytogenetic location: 21q22.12.
Variant type: single nucleotide variant.
Coding change: c.1382A>T on transcript NM_001754.5 (MANE Select); coding-DNA position 1382, A replaced by T.
Protein change: p.Asn461Ile; replaces asparagine 461 with isoleucine.
Molecular consequence: missense variant.
Genome position (GRCh38, 1-based): chr21:34,792,196, T>A on the plus strand (A>T on the coding strand, the complement: RUNX1 is on the minus strand). VCF-style: chr21-34792196-T-A. GRCh37 (hg19) VCF-style: chr21-36164493-T-A.
Other names: NM_001754.5(RUNX1):c.1382A>T; p.Asn461Ile; c.1301A>T, p.Asn434Ile (NM_001001890.3); short protein forms N434I, N461I.
Identifiers: ClinVar variation 961354 (VCV000961354.11), dbSNP rs1601332087, ClinGen allele CA410146985.
Genomic context (GRCh38, chr21:34,792,196, plus strand): 5'-CAGTAGGGCCTCCACACGGCCTCCTCCAGGCGCGCGGAGGGCGCCATGTTGGTGGGGGAG[T>A]TGCTGTGGCTGCCCTCGGCCTCCACCACGTCGCTCTGGTTCGGGAGGCTGGGGTTGAGCA-3'
Protein context (NP_001745.2, residues 451-471): DVVEAEGSHS[Asn461Ile]SPTNMAPSAR